The following is an entry in ClinVar:

NM_001393769.1(MED12L):c.3469G>A (p.Glu1157Lys)

Genes: MED12L (mediator complex subunit 12L; plus strand), P2RY12 (purinergic receptor P2Y12; minus strand). Cytogenetic location: 3q25.1.
Variant type: single nucleotide variant.
Coding change: c.3469G>A on transcript NM_001393769.1 (MANE Select); coding-DNA position 3469, G replaced by A.
Protein change: p.Glu1157Lys; replaces glutamic acid 1157 with lysine.
Molecular consequence: missense variant. On other transcripts: intron variant (1).
Genome position (GRCh38, 1-based): chr3:151,368,170, G>A. VCF-style: chr3-151368170-G-A. GRCh37 (hg19) VCF-style: chr3-151085958-G-A.
Other names: c.3364G>A, p.Glu1122Lys (NM_053002.6); c.-180+16522C>T (NM_022788.5); short protein forms E1122K, E1157K.
Identifiers: ClinVar variation 1707873 (VCV001707873.2), dbSNP rs753746390, ClinGen allele CA2668285.

ClinVar aggregate classification (germline): Uncertain significance (1 of 4 stars; one submission).

Allele frequency attached by ClinVar (database versions not stated): ExAC 0.00001.
gnomAD v4.1: 1 of 1,613,942 alleles (0.000062%); no homozygotes.

Submission:

GeneDx
Classification: Uncertain significance. Last evaluated: 2022-03-28. Review status: criteria provided, single submitter. Criteria: GeneDx Variant Classification Process June 2021. Collection method: clinical testing. Allele origin: germline. Affected: yes.
Comment: In silico analysis supports that this missense variant has a deleterious effect on protein structure/function; Has not been previously published as pathogenic or benign to our knowledge